The following continues an entry in ClinVar:

NM_000492.4(CFTR):c.1865G>A (p.Gly622Asp)

Gene: CFTR. ClinVar aggregate classification (germline): Conflicting classifications of pathogenicity. Pathogenic (16); Likely pathogenic (10); Uncertain significance (1).

Submissions 8 to 21 of 29:

Ambry Genetics
Classification: Likely pathogenic for Cystic fibrosis. Last evaluated: 2025-06-10. Review status: criteria provided, single submitter. Criteria: Ambry Variant Classification Scheme 2023. Collection method: clinical testing. Allele origin: germline.
Comment: The p.G622D variant (also known as c.1865G>A), located in coding exon 14 of the CFTR gene, results from a G to A substitution at nucleotide position 1865. The glycine at codon 622 is replaced by aspartic acid, an amino acid with similar properties. In a cohort of individuals with classic CF, this variant was identified in four pancreatic insufficient individuals with elevated sweat chloride levels and pulmonary infections in conjunction with a severe CF mutation; however, the phase was not confirmed. In the same study, this variant was seen in eight infertile males in conjunction with a second CFTR alteration (Marion H et al. J. Cyst. Fibros., 2015 May;14:305-9). Functional studies have demonstrated that this alteration results in lower intrinsic chloride channel activities, altered protein trafficking, reduced levels of fully mature CFTR protein, and reduced chloride conductance compared to wild type (Vankeerberghen A et al. Hum. Mol. Genet., 1998 Oct;7:1761-9; Norez C et al. J. Pharmacol. Exp. Ther., 2008 Apr;325:89-99; Billet A et al. J. Biol. Chem., 2010 Jul;285:22132-40; Raraigh KS et al. Am. J. Hum. Genet., 2018 Jun;102:1062-1077; Han ST et al. JCI Insight, 2018 Jul;3:). However, this variant retains almost 20% of normal CFTR function (Raraigh KS et al. Am. J. Hum. Genet., 2018 Jun;102:1062-1077), and as a result, it is considered variant of varying clinical consequence by The Clinical and Functional TRanslation of CFTR (CFTR2) (available at CFTR2. Accessed September 20, 2019). This amino acid position is highly conserved in available vertebrate species. In addition, this alteration is predicted to be deleterious by in silico analysis. Based on the majority of available evidence to date, this variant is likely to be pathogenic.

First Genomix Gene Laboratory, Genetic Diagnostics Department
Classification: Pathogenic for Congenital bilateral aplasia of vas deferens from CFTR mutation; Cystic fibrosis. Last evaluated: 2025-01-10. Review status: criteria provided, single submitter. Criteria: ACMG Guidelines, 2015. Collection method: clinical testing. Allele origin: germline. Inheritance: Autosomal recessive inheritance. Affected: no. Observed: 1 variant allele.

ARUP Laboratories, Molecular Genetics and Genomics, ARUP Laboratories
Classification: Pathogenic for Cystic fibrosis; Bronchiectasis with or without elevated sweat chloride 1; Hereditary pancreatitis; Congenital bilateral aplasia of vas deferens from CFTR mutation. Last evaluated: 2024-12-30. Review status: criteria provided, single submitter. Criteria: ARUP Molecular Germline Variant Investigation Process 2024. Collection method: clinical testing. Allele origin: germline.
Comment: The CFTR c.1865G>A; p.Gly622Asp variant (rs121908759) is reported in the compound heterozygous state in multiple individuals with symptoms ranging from classic cystic fibrosis to CFTR-related disorders, such as male infertility and pancreatitis (Ceyhan-Birsoy 2019, Masson 2013, Marion 2015, Ratbi 2007, Vankeerberghen 1998). This variant is also reported in ClinVar (Variation ID: 35833), and is observed in the general population with an overall allele frequency of 0.012% (34/274254 alleles) in the Genome Aggregation Database (v2.1.1). Computational analyses predict that this variant is deleterious (REVEL: 0.964). Functional characterization of the variant protein indicates a defect in CFTR processing and maturation, leading to a reduced chloride transport activity (Billet 2010, Raraigh 2018, Vankeerberghen 1998). Based on the above information, the variant is classified as pathogenic with varying clinical consequences. References: Billet A et al. C terminus of nucleotide binding domain 1 contains critical features for cystic fibrosis transmembrane conductance regulator trafficking and activation. J Biol Chem. 2010 285(29):22132-40. PMID: 20435887 Ceyhan-Birsoy O et al. Interpretation of Genomic Sequencing Results in Healthy and Ill Newborns: Results from the BabySeq Project. Am J Hum Genet. 2019 Jan 3;104(1):76-93. PMID: 30609409. Marion H et al. The p.Gly622Asp (G622D) mutation, frequently found in Reunion Island and in black populations, is associated with a wide spectrum of CF and CFTR-RD phenotypes. J Cyst Fibros. 2015 14(3):305-9. PMID: 25443471. Masson E et al. A conservative assessment of the major genetic causes of idiopathic chronic pancreatitis: data from a comprehensive analysis of PRSS1, SPINK1, CTRC and CFTR genes in 253 young French patients. PLoS One. 2013 8(8):e73522. PMID: 23951356. Raraigh KS et al. Functional Assays Are Essential for Interpretation of Missense Variants Associated with Variable Expressivity. Am J Hum Genet. 2018 Jun 7;102(6):1062-1077. PMID: 29805046. Ratbi I et al. Detection of cystic fibrosis transmembrane conductance regulator (CFTR) gene rearrangements enriches the mutation spectrum in congenital bilateral absence of the vas deferens and impacts on genetic counselling. Hum Reprod. 2007 22(5):1285-91. PMID: 17329263. Vankeerberghen A et al. Characterization of 19 disease-associated missense mutations in the regulatory domain of the cystic fibrosis transmembrane conductance regulator. Hum Mol Genet. 1998 7(11):1761-9. PMID: 9736778.

Blueprint Genetics
Classification: Pathogenic for CFTR-related disorders. Last evaluated: 2024-11-25. Review status: criteria provided, single submitter. Criteria: ACMG Guidelines, 2015. Collection method: clinical testing. Allele origin: germline. Affected: yes. Observed: 5 variant alleles.

Revvity Omics, Revvity
Classification: Pathogenic. Last evaluated: 2024-08-27. Review status: criteria provided, single submitter. Criteria: ACMG Guidelines, 2015. Collection method: clinical testing. Allele origin: germline.

Baylor Genetics
Classification: Likely pathogenic for Bronchiectasis with or without elevated sweat chloride 1. Last evaluated: 2024-03-30. Review status: criteria provided, single submitter. Criteria: ACMG Guidelines, 2015. Collection method: clinical testing. Allele origin: unknown.

Molecular Genetics, Royal Melbourne Hospital
Classification: Pathogenic for Cystic fibrosis. Last evaluated: 2023-03-30. Review status: criteria provided, single submitter. Criteria: ACMG Guidelines, 2015. Collection method: clinical testing. Allele origin: germline. Affected: no.
Comment: This sequence change is predicted to replace glycine with aspartic acid at codon 622 of the CFTR protein, p.(Gly622Asp). The glycine residue is evolutionarily conserved (100 vertebrates, UCSC), and is located in the ABC transporter 1 domain. There is a moderate physicochemical difference between glycine and aspartic acid. The variant is present in a large population cohort at a frequency of 0.01%, which is consistent with a recessive disorder (rs121908759, 34/274,254 alleles, 0 homozygotes in gnomAD v2.1). The variant has been identified compound heterozygous with a second pathogenic allele in multiple cases diagnosed with cystic fibrosis and other CFTR-related disorders (PMID: 25443471). Moderately reduced protein function has been shown with stable expression of the variant in a human airway cell line, and significantly lower intrinsic chloride channel activities in in vitro assays in COS1 cells (PMID: 9736778, 29805046). Multiple lines of computational evidence predict a deleterious effect for the missense substitution (6/6 algorithms). Based on the classification scheme RMH ACMG Guidelines v1.2.1, this variant is classified as PATHOGENIC. Following criteria are met: PM3_VeryStrong, PM2, PS3_Supporting, PP3.

Department of Pathology and Laboratory Medicine, Sinai Health System
Classification: Pathogenic for cystic fibrosis. Last evaluated: 2023-03-06. Review status: criteria provided, single submitter. Criteria: ACMG Guidelines, 2015. Collection method: research. Allele origin: germline.

AiLife Diagnostics
Classification: Pathogenic. Last evaluated: 2022-01-25. Review status: criteria provided, single submitter. Criteria: ACMG Guidelines, 2015. Collection method: clinical testing. Allele origin: germline. Affected: yes. Observed: 1 variant allele.

CeGaT Center for Human Genetics Tuebingen
Classification: Pathogenic. Last evaluated: 2021-08-01. Review status: criteria provided, single submitter. Criteria: CeGaT Center For Human Genetics Tuebingen Variant Classification Criteria Version 2. Collection method: clinical testing. Allele origin: germline. Affected: yes. Observed: 2 variant alleles.

Genome-Nilou Lab
Classification: Uncertain significance for Cystic fibrosis. Last evaluated: 2021-07-22. Review status: criteria provided, single submitter. Criteria: ACMG Guidelines, 2015. Collection method: clinical testing. Allele origin: germline. Affected: no.

Genome-Nilou Lab
Classification: Likely pathogenic for Congenital bilateral aplasia of vas deferens from CFTR mutation. Last evaluated: 2021-07-22. Review status: criteria provided, single submitter. Criteria: ACMG Guidelines, 2015. Collection method: clinical testing. Allele origin: germline. Affected: no.

Sema4
Classification: Likely pathogenic for Hereditary pancreatitis. Last evaluated: 2021-04-12. Review status: criteria provided, single submitter. Criteria: Sema4 Curation Guidelines. Collection method: curation. Allele origin: germline.
Comment: The CFTR c.1865G>A (p.G622D) variant has been reported as compound heterozygous in at least 4 individuals with cystic fibrosis, as well as several patients with other CFTR-related disorders (PMID: 25443471, 9736778, 32777524). It has been reported in individuals with chronic pancreatitis, however it has also been identified in healthy controls (PMID: 23951356, 30420730, 24451227). Functional studies have shown that this variant results in reduced chloride transport activity compared to wildtype (PMID: 18230692, 29805046). This variant was observed in 21/24662 chromosomes in the African/African American population, with no homozygotes, according to the Genome Aggregation Database (PMID: 32461654). This variant has been reported in ClinVar (Variation ID: 35833). Based on the current evidence available, this variant is interpreted as likely pathogenic.

Johns Hopkins Genomics, Johns Hopkins University
Classification: Likely pathogenic for Cystic fibrosis. Last evaluated: 2019-11-22. Review status: criteria provided, single submitter. Criteria: ACMG Guidelines, 2015. Collection method: clinical testing. Allele origin: germline.
Comment: CFTR variant associated with variable clinical consequences. See CFTR2 for phenotype information.